The following is an entry in ClinVar:

ClinVar aggregate classification (germline): Pathogenic (1 of 4 stars; one submission).

Submission:

Labcorp Genetics (formerly Invitae), Labcorp
Classification: Pathogenic. Last evaluated: 2025-09-15. Review status: criteria provided, single submitter. Criteria: Invitae Variant Classification Sherloc (09022015). Collection method: clinical testing. Allele origin: germline.
Comment: This sequence change creates a premature translational stop signal (p.Arg282Alafs*45) in the ABCA1 gene. It is expected to result in an absent or disrupted protein product. Loss-of-function variants in ABCA1 are known to be pathogenic (PMID: 10525055, 10760292, 20880529). This variant is not present in population databases (gnomAD no frequency). This variant has not been reported in the literature in individuals affected with ABCA1-related conditions. For these reasons, this variant has been classified as Pathogenic.

Literature cited by the submitters: PubMed 10525055; PubMed 10760292; PubMed 20880529.

NM_005502.4(ABCA1):c.843dup (p.Arg282fs)

Gene: ABCA1 (ATP binding cassette subfamily A member 1; minus strand). Cytogenetic location: 9q31.1.
Variant type: Duplication.
Coding change: c.843dup on transcript NM_005502.4 (MANE Select); coding-DNA position 843, one base duplicated (G; older notation c.843dupG).
Protein change: p.Arg282fs; shifts the reading frame from arginine 282.
Molecular consequence: frameshift variant.
Genome position (GRCh38, 1-based): chr9:104,840,490, C duplicated on the plus strand (G on the coding strand, the reverse complement: ABCA1 is on the minus strand). VCF-style (leftmost placement, unchanged base first): chr9-104840489-G-GC. GRCh37 (hg19) VCF-style: chr9-107602770-G-GC.
Other names: short protein forms R282fs.
Identifiers: ClinVar variation 4727208 (VCV004727208.1).